The following is an entry in ClinVar:

ClinVar aggregate classification (germline): Uncertain significance. Review status: criteria provided, multiple submitters, no conflicts (2 of 4 stars). 3 submissions from 3 submitters: Uncertain significance (2). 1 of the submissions does not count toward it. Last evaluated 2026-07-07.

Conditions:
Cohen syndrome (COH1). Also called: Cutis verticis gyrata, retinitis pigmentosa, and sensorineural deafness; PEPPER SYNDROME. Identifiers: Orphanet 193, MedGen C0265223, MONDO:0008999, OMIM 216550.
VPS13B-related disorder. Also called: VPS13B-related condition.

Allele frequency attached by ClinVar (database versions not stated): TOPMed below 0.00001; gnomAD exomes 0.00001; ExAC 0.00002.
gnomAD v4.1: 3 of 1,614,140 alleles (0.00019%); highest among the groups gnomAD compares: Admixed American, 0.005%; no homozygotes.

Submissions (3):

PreventionGenetics, part of Exact Sciences
Classification: Uncertain significance for VPS13B-related condition. Last evaluated: 2026-07-07. Review status: criteria provided, single submitter. Criteria: ACMG Guidelines, 2015. Collection method: clinical testing. Allele origin: germline.
Comment: The VPS13B c.9976G>A variant is predicted to result in the amino acid substitution p.Val3326Met. To our knowledge, this variant has not been reported in the literature. This variant is reported in 0.0087% of alleles in individuals of Latino descent in gnomAD. At this time, the clinical significance of this variant is uncertain due to the absence of conclusive functional and genetic evidence.

Labcorp Genetics (formerly Invitae), Labcorp
Classification: Uncertain significance for Cohen syndrome. Last evaluated: 2022-05-27. Review status: criteria provided, single submitter. Criteria: Invitae Variant Classification Sherloc (09022015). Collection method: clinical testing. Allele origin: germline.
Comment: This sequence change replaces valine, which is neutral and non-polar, with methionine, which is neutral and non-polar, at codon 3351 of the VPS13B protein (p.Val3351Met). This variant is present in population databases (rs754882929, gnomAD 0.009%). This variant has not been reported in the literature in individuals affected with VPS13B-related conditions. ClinVar contains an entry for this variant (Variation ID: 1056881). Algorithms developed to predict the effect of missense changes on protein structure and function are either unavailable or do not agree on the potential impact of this missense change (SIFT: "Not Available"; PolyPhen-2: "Possibly Damaging"; Align-GVGD: "Not Available"). In summary, the available evidence is currently insufficient to determine the role of this variant in disease. Therefore, it has been classified as a Variant of Uncertain Significance.

Natera, Inc.
Classification: Uncertain significance for Cohen syndrome. Last evaluated: 2021-06-16. Review status: no assertion criteria provided. Collection method: clinical testing. Allele origin: germline. Not counted in ClinVar's aggregate classification.

NM_152564.5(VPS13B):c.9976G>A (p.Val3326Met)

Gene: VPS13B (vacuolar protein sorting 13 homolog B; plus strand). Cytogenetic location: 8q22.2.
Variant type: single nucleotide variant.
Coding change: c.9976G>A on transcript NM_152564.5 (MANE Select); coding-DNA position 9976, G replaced by A.
Protein change: p.Val3326Met; replaces valine 3326 with methionine.
Molecular consequence: missense variant.
Genome position (GRCh38, 1-based): chr8:99,848,809, G>A. VCF-style: chr8-99848809-G-A. GRCh37 (hg19) VCF-style: chr8-100861037-G-A.
Other names: c.10051G>A, p.Val3351Met (NM_017890.5); c.9976G>A (NM_152564.4); short protein forms V3326M, V3351M.
Identifiers: ClinVar variation 1056881 (VCV001056881.10), dbSNP rs754882929, ClinGen allele CA4824848.
Genomic context (GRCh38, chr8:99,848,809, plus strand): 5'-ATCAGATTTTGAATATTCTTTCTGCAGGTTGTGTTCCTGACTGGCTTTGGCTATGTGTAT[G>A]TGGATGTTGTACATCAGTGTGGCACAGTCTTCATCACTGTGGCCCCAGAAGGAAAAGCAG-3'
Protein context (NP_689777.3, residues 3316-3336): VFLTGFGYVY[Val3326Met]DVVHQCGTVF